The following is an entry in ClinVar:

ClinVar aggregate classification (germline): Benign. Review status: criteria provided, multiple submitters, no conflicts (2 of 4 stars). 2 submissions from 2 submitters: Benign (2). Last evaluated 2018-06-14.

Allele frequency attached by ClinVar (database versions not stated): 1000 Genomes Project 0.15535; 1000 Genomes Project 30x 0.15912; TOPMed 0.25888; gnomAD 0.28274.
gnomAD v4.1: 193,631 of 623,772 alleles (31%); highest among the groups gnomAD compares: Non-Finnish European, 38%; 35,103 homozygotes.

Submissions (2):

GeneDx
Classification: Benign. Last evaluated: 2018-06-14. Review status: criteria provided, single submitter. Criteria: GeneDx Variant Classification (06012015). Collection method: clinical testing. Allele origin: germline. Affected: yes.
Comment: This variant is considered likely benign or benign based on one or more of the following criteria: it is a conservative change, it occurs at a poorly conserved position in the protein, it is predicted to be benign by multiple in silico algorithms, and/or has population frequency not consistent with disease.

Breakthrough Genomics
Classification: Benign. Review status: criteria provided, single submitter. Criteria: ACMG Guidelines, 2015. Collection method: not provided. Allele origin: germline. Inheritance: Autosomal recessive inheritance. Affected: yes.

NM_030962.4(SBF2):c.4699-150G>T

Genes: SBF2 (SET binding factor 2; minus strand), SBF2-AS1 (SBF2 antisense RNA 1; plus strand), LOC105369149 (uncharacterized LOC105369149; plus strand). Cytogenetic location: 11p15.4.
Variant type: single nucleotide variant.
Coding change: c.4699-150G>T on transcript NM_030962.4 (MANE Select); 150 bases into the intron before coding-DNA position 4699, G replaced by T.
Molecular consequence: intron variant.
Genome position (GRCh38, 1-based): chr11:9,789,492, C>A on the plus strand (G>T on the coding strand, the complement: SBF2 is on the minus strand). VCF-style: chr11-9789492-C-A. GRCh37 (hg19) VCF-style: chr11-9811039-C-A.
Other names: c.4570-150G>T (NM_001386342.1); c.4795-150G>T (NM_001386339.1).
Identifiers: ClinVar variation 669267 (VCV000669267.2), dbSNP rs11042496, ClinGen allele CA13496458.